The following is an entry in ClinVar:

ClinVar aggregate classification (germline): Uncertain significance (1 of 4 stars; one submission).

Allele frequency attached by ClinVar (database versions not stated): 1000 Genomes Project 30x 0.00016.
gnomAD v4.1: 1 of 1,613,804 alleles (0.000062%); highest among the groups gnomAD compares: South Asian, 0.0011%; no homozygotes.

Submission:

Labcorp Genetics (formerly Invitae), Labcorp
Classification: Uncertain significance. Last evaluated: 2025-07-14. Review status: criteria provided, single submitter. Criteria: Invitae Variant Classification Sherloc (09022015). Collection method: clinical testing. Allele origin: germline.
Comment: This sequence change replaces isoleucine, which is neutral and non-polar, with methionine, which is neutral and non-polar, at codon 167 of the ACVR1 protein (p.Ile167Met). This variant is not present in population databases (gnomAD no frequency). This variant has not been reported in the literature in individuals affected with ACVR1-related conditions. ClinVar contains an entry for this variant (Variation ID: 2782787). An algorithm developed to predict the effect of missense changes on protein structure and function (PolyPhen-2) suggests that this variant is likely to be disruptive. In summary, the available evidence is currently insufficient to determine the role of this variant in disease. Therefore, it has been classified as a Variant of Uncertain Significance.

NM_001111067.4(ACVR1):c.501C>G (p.Ile167Met)

Gene: ACVR1 (activin A receptor type 1; minus strand). Cytogenetic location: 2q24.1.
Variant type: single nucleotide variant.
Coding change: c.501C>G on transcript NM_001111067.4 (MANE Select); coding-DNA position 501, C replaced by G.
Protein change: p.Ile167Met; replaces isoleucine 167 with methionine.
Molecular consequence: missense variant.
Genome position (GRCh38, 1-based): chr2:157,778,173, G>C on the plus strand (C>G on the coding strand, the complement: ACVR1 is on the minus strand). VCF-style: chr2-157778173-G-C. GRCh37 (hg19) VCF-style: chr2-158634685-G-C.
Other names: c.501C>G, p.Ile167Met (NM_001105.5, NM_001347663.1, NM_001347664.1 and 3 more transcripts); short protein forms I167M.
Identifiers: ClinVar variation 2782787 (VCV002782787.3), dbSNP rs368751955, ClinGen allele CA349192801.